The following is an entry in ClinVar:

ClinVar aggregate classification (germline): Likely pathogenic (1 of 4 stars; one submission).

Conditions:
Jeune thoracic dystrophy. Also called: Jeune syndrome; Infantile thoracic dystrophy; Thoracic pelvic phalangeal dystrophy; Jeune's syndrome; Chondroectodermal dysplasia-like syndrome; Short-rib thoracic dysplasia. Identifiers: Orphanet 474, MedGen C0265275, MONDO:0018770.

gnomAD v4.1: 3 of 1,572,332 alleles (0.00019%); highest among the groups gnomAD compares: Non-Finnish European, 0.00026%; no homozygotes.

Submission:

Labcorp Genetics (formerly Invitae), Labcorp
Classification: Likely pathogenic for Jeune thoracic dystrophy. Last evaluated: 2025-11-05. Review status: criteria provided, single submitter. Criteria: Invitae Variant Classification Sherloc (09022015). Collection method: clinical testing. Allele origin: germline.
Comment: This sequence change affects a donor splice site in intron 34 of the DYNC2H1 gene. It is expected to disrupt RNA splicing. Variants that disrupt the donor or acceptor splice site typically lead to a loss of protein function (PMID: 16199547), and loss-of-function variants in DYNC2H1 are known to be pathogenic (PMID: 23339108, 32753734, 33755199). This variant is not present in population databases (gnomAD no frequency). This variant has not been reported in the literature in individuals affected with DYNC2H1-related conditions. Algorithms developed to predict the effect of sequence changes on RNA splicing suggest that this variant may disrupt the consensus splice site. In summary, the currently available evidence indicates that the variant is pathogenic, but additional data are needed to prove that conclusively. Therefore, this variant has been classified as Likely Pathogenic.

Literature cited by the submitters: PubMed 16199547; PubMed 23339108; PubMed 32753734; PubMed 33755199.

NM_001377.3(DYNC2H1):c.5334+1G>T

Gene: DYNC2H1 (dynein cytoplasmic 2 heavy chain 1; plus strand). Cytogenetic location: 11q22.3.
Variant type: single nucleotide variant.
Coding change: c.5334+1G>T on transcript NM_001377.3 (MANE Select); the canonical splice donor site of the intron after coding-DNA position 5334, G replaced by T.
Molecular consequence: splice donor variant.
Genome position (GRCh38, 1-based): chr11:103,171,069, G>T. VCF-style: chr11-103171069-G-T. GRCh37 (hg19) VCF-style: chr11-103041798-G-T.
Other names: c.5334+1G>T (NM_001080463.2).
Identifiers: ClinVar variation 4774492 (VCV004774492.1).
Genomic context (GRCh38, chr11:103,171,069, plus strand): 5'-CAGACAATTCAAGATGCTTTGAAGAATCATAGAACTGTATGTGAACTGCTTGGCAAGGAG[G>T]TATAGAATATGTTGGGAATTTAAAGAATTAAAATATTTTGTAAGACTTGATATTACTCAT-3'